The following is an entry in ClinVar:

ClinVar aggregate classification (germline): Benign/Likely benign. Review status: criteria provided, multiple submitters, no conflicts (2 of 4 stars). 5 submissions from 5 submitters: Benign (3); Likely benign (2). Last evaluated 2026-07-01.

Conditions:
Joubert syndrome 26 (JBTS26). Identifiers: Orphanet 475, MedGen C4084843, MONDO:0014771, OMIM 616784.

Allele frequency attached by ClinVar (database versions not stated): 1000 Genomes Project 30x 0.00172; 1000 Genomes Project 0.00200; ESP Exome Variant Server 0.00377; TOPMed 0.00390; ExAC 0.00446; gnomAD exomes 0.00469 and 0.00549; gnomAD 0.00480 and 0.00500.
gnomAD v4.1: 8,678 of 1,614,112 alleles (0.54%); highest among the groups gnomAD compares: Non-Finnish European, 0.61%; 29 homozygotes.

Submissions (5):

CeGaT Center for Human Genetics Tuebingen
Classification: Likely benign. Last evaluated: 2026-07-01. Review status: criteria provided, single submitter. Criteria: CeGaT Center For Human Genetics Tuebingen Variant Classification Criteria Version 2. Collection method: clinical testing. Allele origin: germline. Affected: yes. Observed: 18 variant alleles.
Comment: KATNIP: BP4, BS2

Labcorp Genetics (formerly Invitae), Labcorp
Classification: Benign. Last evaluated: 2025-12-16. Review status: criteria provided, single submitter. Criteria: Invitae Variant Classification Sherloc (09022015). Collection method: clinical testing. Allele origin: germline.

Mayo Clinic Laboratories, Mayo Clinic
Classification: Benign. Last evaluated: 2024-09-17. Review status: criteria provided, single submitter. Criteria: ACMG Guidelines, 2015. Collection method: clinical testing. Allele origin: germline. Observed: 1 variant allele.
Comment: BS1, BS2, BP4

Fulgent Genetics
Classification: Likely benign for Joubert syndrome 26. Last evaluated: 2022-05-18. Review status: criteria provided, single submitter. Criteria: ACMG Guidelines, 2015. Collection method: clinical testing. Allele origin: unknown.

Breakthrough Genomics
Classification: Benign. Review status: criteria provided, single submitter. Criteria: ACMG Guidelines, 2015. Collection method: not provided. Allele origin: germline. Inheritance: Autosomal recessive inheritance. Affected: yes.

NM_015202.5(KATNIP):c.3913G>A (p.Glu1305Lys)

Gene: KATNIP (katanin interacting protein; plus strand). Cytogenetic location: 16p12.1.
Variant type: single nucleotide variant.
Coding change: c.3913G>A on transcript NM_015202.5 (MANE Select); coding-DNA position 3913, G replaced by A.
Protein change: p.Glu1305Lys; replaces glutamic acid 1305 with lysine.
Molecular consequence: missense variant.
Genome position (GRCh38, 1-based): chr16:27,766,412, G>A. VCF-style: chr16-27766412-G-A. GRCh37 (hg19) VCF-style: chr16-27777733-G-A.
Other names: p.Glu1305Lys; c.3913G>A (NM_015202.4); short protein forms E1305K.
Identifiers: ClinVar variation 771762 (VCV000771762.36), dbSNP rs61730241, ClinGen allele CA7978424.
Genomic context (GRCh38, chr16:27,766,412, plus strand): 5'-TGGCTGATCCCCTTCTCGCCGGGGCTGGACCATGTGGTCACGATCCGCCTGGACAGGGCC[G>A]AAAGCATCGCAGGCCTGCGCTTCTGGAACTACAATAAATCTCCCGAGGACACCTATCGCG-3'
Protein context (NP_056017.4, residues 1295-1315): HVVTIRLDRA[Glu1305Lys]SIAGLRFWNY